The following is an entry in ClinVar:

ClinVar aggregate classification (germline): Uncertain significance (1 of 4 stars; one submission).

Submission:

Labcorp Genetics (formerly Invitae), Labcorp
Classification: Uncertain significance. Last evaluated: 2024-04-25. Review status: criteria provided, single submitter. Criteria: Invitae Variant Classification Sherloc (09022015). Collection method: clinical testing. Allele origin: germline.
Comment: This sequence change replaces alanine, which is neutral and non-polar, with isoleucine, which is neutral and non-polar, at codon 4357 of the FAT4 protein (p.Ala4357Ile). This variant is present in population databases (no rsID available, gnomAD 0.002%). This variant has not been reported in the literature in individuals affected with FAT4-related conditions. ClinVar contains an entry for this variant (Variation ID: 2421331). An algorithm developed to predict the effect of missense changes on protein structure and function (PolyPhen-2) suggests that this variant¬†is likely to be tolerated. In summary, the available evidence is currently insufficient to determine the role of this variant in disease. Therefore, it has been classified as a Variant of Uncertain Significance.

NM_001291303.3(FAT4):c.13075_13076delinsAT (p.Ala4359Ile)

Gene: FAT4 (FAT atypical cadherin 4; plus strand). Cytogenetic location: 4q28.1.
Variant type: Indel.
Coding change: c.13075_13076delinsAT on transcript NM_001291303.3 (MANE Select); coding-DNA positions 13075 to 13076, GC replaced by AT.
Protein change: p.Ala4359Ile; replaces alanine 4359 with isoleucine.
Molecular consequence: missense variant.
Genome position (GRCh38, 1-based): chr4:125,487,597-125,487,598, GC replaced by AT. VCF-style: chr4-125487597-GC-AT. GRCh37 (hg19) VCF-style: chr4-126408752-GC-AT.
Other names: c.13069_13070delinsAT, p.Ala4357Ile (NM_024582.6); c.13075_13076delinsAT, p.Ala4359Ile (NM_001291285.3); short protein forms A4357I, A4359I.
Identifiers: ClinVar variation 2421331 (VCV002421331.3), dbSNP rs2531045491, ClinGen allele CA2580071486.